The following is an entry in ClinVar:

ClinVar aggregate classification (germline): Uncertain significance (1 of 4 stars; one submission).

Conditions:
Familial acute necrotizing encephalopathy (IIAE3). Also called: ENCEPHALOPATHY, ACUTE, INFECTION-INDUCED, SUSCEPTIBILITY TO, 3; Susceptibility to Acute Necrotizing Encephalopathy 1. Identifiers: Orphanet 88619, MedGen C2675556, MONDO:0011953, OMIM 608033.

Submission:

Labcorp Genetics (formerly Invitae), Labcorp
Classification: Uncertain significance for Familial acute necrotizing encephalopathy. Last evaluated: 2020-01-21. Review status: criteria provided, single submitter. Criteria: Invitae Variant Classification Sherloc (09022015). Collection method: clinical testing. Allele origin: germline.
Comment: In summary, the available evidence is currently insufficient to determine the role of this variant in disease. Therefore, it has been classified as a Variant of Uncertain Significance. Algorithms developed to predict the effect of missense changes on protein structure and function (SIFT, PolyPhen-2, Align-GVGD) all suggest that this variant is likely to be disruptive, but these predictions have not been confirmed by published functional studies and their clinical significance is uncertain. This variant has not been reported in the literature in individuals with RANBP2-related conditions. This variant is not present in population databases (ExAC no frequency). This sequence change replaces glycine with aspartic acid at codon 2261 of the RANBP2 protein (p.Gly2261Asp). The glycine residue is highly conserved and there is a moderate physicochemical difference between glycine and aspartic acid.

NM_006267.5(RANBP2):c.6782G>A (p.Gly2261Asp)

Gene: RANBP2 (RAN binding protein 2; plus strand). Cytogenetic location: 2q13.
Variant type: single nucleotide variant.
Coding change: c.6782G>A on transcript NM_006267.5 (MANE Select); coding-DNA position 6782, G replaced by A.
Protein change: p.Gly2261Asp; replaces glycine 2261 with aspartic acid.
Molecular consequence: missense variant.
Genome position (GRCh38, 1-based): chr2:108,767,321, G>A. VCF-style: chr2-108767321-G-A. GRCh37 (hg19) VCF-style: chr2-109383777-G-A.
Other names: short protein forms G2261D.
Identifiers: ClinVar variation 940565 (VCV000940565.10), dbSNP rs1677188214, ClinGen allele CA348076250.